The following is an entry in ClinVar:

ClinVar aggregate classification (germline): Likely benign. Review status: criteria provided, single submitter (1 of 4 stars). 2 submissions from 2 submitters: Likely benign (1). 1 of the submissions does not count toward it. Last evaluated 2025-12-01.

Conditions:
ATP2C2-related disorder. Also called: ATP2C2-related condition.

Allele frequency attached by ClinVar (database versions not stated): 1000 Genomes Project 30x 0.00031; ESP Exome Variant Server 0.00031; 1000 Genomes Project 0.00040; TOPMed 0.00057; gnomAD 0.00061.
gnomAD v4.1: 1,060 of 1,614,196 alleles (0.066%); highest among the groups gnomAD compares: Admixed American, 0.087%; 3 homozygotes.

Submissions (3):

CeGaT Center for Human Genetics Tuebingen
Classification: Likely benign. Last evaluated: 2025-12-01. Review status: criteria provided, single submitter. Criteria: CeGaT Center For Human Genetics Tuebingen Variant Classification Criteria Version 2. Collection method: clinical testing. Allele origin: germline. Affected: yes. Observed: 1 variant allele.
Comment: ATP2C2: BS1

PreventionGenetics, part of Exact Sciences
Classification: Likely benign for ATP2C2-related condition. Last evaluated: 2022-04-11. Review status: no assertion criteria provided. Collection method: clinical testing. Allele origin: germline. Not counted in ClinVar's aggregate classification.
Comment: This variant is classified as likely benign based on ACMG/AMP sequence variant interpretation guidelines (Richards et al. 2015 PMID: 25741868, with internal and published modifications).

Dr. Peter K. Rogan Lab, Western University
No classification provided (evidence only). Condition: Malignant tumor of urinary bladder. Review status: no classification provided. Collection method: in vitro. Allele origin: not applicable. Functional consequence: retained intron. Not counted in ClinVar's aggregate classification.

NM_014861.4(ATP2C2):c.1160A>G (p.Asn387Ser)

Gene: ATP2C2 (ATPase secretory pathway Ca2+ transporting 2; plus strand). Cytogenetic location: 16q24.1.
Variant type: single nucleotide variant.
Coding change: c.1160A>G on transcript NM_014861.4 (MANE Select); coding-DNA position 1160, A replaced by G.
Protein change: p.Asn387Ser; replaces asparagine 387 with serine.
Molecular consequence: missense variant.
Genome position (GRCh38, 1-based): chr16:84,439,475, A>G. VCF-style: chr16-84439475-A-G. GRCh37 (hg19) VCF-style: chr16-84473081-A-G.
Other names: NC_000016.9:g.84473081A>G; c.1160A>G, p.Asn387Ser (NM_001286527.3); c.707A>G, p.Asn236Ser (NM_001291454.2); short protein forms N236S, N387S.
Identifiers: ClinVar variation 3040418 (VCV003040418.8), dbSNP rs200192229, ClinGen allele CA8207210.